The following is an entry in ClinVar:

ClinVar aggregate classification (germline): Likely benign (0 of 4 stars; one submission).

Conditions:
PLXNA1-related disorder. Also called: PLXNA1-related condition.

gnomAD v4.1: 10 of 1,611,436 alleles (0.00062%); highest among the groups gnomAD compares: African/African-American, 0.0027%; no homozygotes.

Submission:

PreventionGenetics, part of Exact Sciences
Classification: Likely benign for PLXNA1-related condition. Last evaluated: 2023-03-10. Review status: no assertion criteria provided. Collection method: clinical testing. Allele origin: germline.
Comment: This variant is classified as likely benign based on ACMG/AMP sequence variant interpretation guidelines (Richards et al. 2015 PMID: 25741868, with internal and published modifications).

NM_032242.4(PLXNA1):c.2874C>T (p.Phe958=)

Gene: PLXNA1 (plexin A1; plus strand). Cytogenetic location: 3q21.3.
Variant type: single nucleotide variant.
Coding change: c.2874C>T on transcript NM_032242.4 (MANE Select); coding-DNA position 2874, C replaced by T.
Protein change: p.Phe958=; no amino-acid change (phenylalanine 958 retained).
Molecular consequence: synonymous variant.
Genome position (GRCh38, 1-based): chr3:127,014,828, C>T. VCF-style: chr3-127014828-C-T. GRCh37 (hg19) VCF-style: chr3-126733671-C-T.
Identifiers: ClinVar variation 3356729 (VCV003356729.1).
Genomic context (GRCh38, chr3:127,014,828, plus strand): 5'-GGTGTGTGTGCGGGACTGCTCACCACACTACCGCGCCCTGTCACCCAAGCGCTTCACCTT[C>T]GTGGTGAGTCTGCTGCCCTCCCTCTCTCCCTATTCTCTGCTGCTCTGAGAGGGTGCCGCT-3'
Protein context (NP_115618.3, residues 948-968): YRALSPKRFT[Phe958=]VTPTFYRVSP